The following is an entry in ClinVar:

ClinVar aggregate classification (germline): Likely benign (1 of 4 stars; one submission).

Conditions:
PTPRS-related disorder. Also called: PTPRS-related condition.

gnomAD v4.1: 14 of 1,613,422 alleles (0.00087%); highest among the groups gnomAD compares: South Asian, 0.0033%; no homozygotes.

Submission:

PreventionGenetics, part of Exact Sciences
Classification: Likely benign for PTPRS-related condition. Last evaluated: 2025-09-03. Review status: criteria provided, single submitter. Criteria: ACMG Guidelines, 2015. Collection method: clinical testing. Allele origin: germline.
Comment: This variant is classified as likely benign based on ACMG/AMP sequence variant interpretation guidelines (Richards et al. 2015 PMID: 25741868, with internal and published modifications).

NM_002850.4(PTPRS):c.933C>T (p.Cys311=)

Gene: PTPRS (protein tyrosine phosphatase receptor type S; minus strand). Cytogenetic location: 19p13.3.
Variant type: single nucleotide variant.
Coding change: c.933C>T on transcript NM_002850.4 (MANE Select); coding-DNA position 933, C replaced by T.
Protein change: p.Cys311=; no amino-acid change (cysteine 311 retained).
Molecular consequence: synonymous variant.
Genome position (GRCh38, 1-based): chr19:5,245,831, G>A on the plus strand (C>T on the coding strand, the complement: PTPRS is on the minus strand). VCF-style: chr19-5245831-G-A. GRCh37 (hg19) VCF-style: chr19-5245842-G-A.
Other names: c.894C>T, p.Cys298= (NM_001394011.1, NM_001394012.1, NM_001394013.1 and 2 more transcripts); c.906C>T, p.Cys302= (NM_130855.3).
Identifiers: ClinVar variation 4985273 (VCV004985273.1).
Genomic context (GRCh38, chr19:5,245,831, plus strand): 5'-CTCACATTTCACCGTGATCTGAGCAACCGCCTCAATGACGCCCAGGCTGGACATGGCCAC[G>A]CAGGTGTAGTTGGCCGAGTCCTTGACATCTGTGAGTTCCAGCACGTTCCGACCCACGGGC-3'
Protein context (NP_002841.3, residues 301-321): TDVKDSANYT[Cys311=]VAMSSLGVIE